The following is an entry in ClinVar:

ClinVar aggregate classification (germline): Uncertain significance. Review status: criteria provided, multiple submitters, no conflicts (2 of 4 stars). 2 submissions from 2 submitters: Uncertain significance (2). Last evaluated 2025-12-16.

Conditions:
Autosomal recessive Robinow syndrome (RRS1). Also called: COSTOVERTEBRAL SEGMENTATION DEFECT WITH MESOMELIA; COVESDEM SYNDROME; ROBINOW SYNDROME, AUTOSOMAL RECESSIVE 1; ROR2-Related Robinow Syndrome. Identifiers: Orphanet 1507, Orphanet 97360, MedGen C5399974, MONDO:0009999, OMIM 268310.
Brachydactyly type B1 (BDB1). Identifiers: Orphanet 572385, Orphanet 93383, MedGen C1862112, MONDO:0007220, OMIM 113000.

gnomAD v4.1: 5 of 1,612,704 alleles (0.00031%); highest among the groups gnomAD compares: Non-Finnish European, 0.00034%; no homozygotes.

Submissions (2):

Labcorp Genetics (formerly Invitae), Labcorp
Classification: Uncertain significance. Last evaluated: 2025-12-16. Review status: criteria provided, single submitter. Criteria: Invitae Variant Classification Sherloc (09022015). Collection method: clinical testing. Allele origin: germline.
Comment: This sequence change replaces threonine, which is neutral and polar, with serine, which is neutral and polar, at codon 269 of the ROR2 protein (p.Thr269Ser). This variant is present in population databases (no rsID available, gnomAD 0.0009%). This variant has not been reported in the literature in individuals affected with ROR2-related conditions. ClinVar contains an entry for this variant (Variation ID: 3892314). Invitae Evidence Modeling of protein sequence and biophysical properties (such as structural, functional, and spatial information, amino acid conservation, physicochemical variation, residue mobility, and thermodynamic stability) indicates that this missense variant is not expected to disrupt ROR2 protein function with a negative predictive value of 80%. In summary, the available evidence is currently insufficient to determine the role of this variant in disease. Therefore, it has been classified as a Variant of Uncertain Significance.

Department of Pathology and Laboratory Medicine, Sinai Health System
Classification: Uncertain significance for Brachydactyly type B1; Autosomal recessive Robinow syndrome. Last evaluated: 2021-11-23. Review status: criteria provided, single submitter. Criteria: ACMG Guidelines, 2015. Collection method: research. Allele origin: germline.

NM_004560.4(ROR2):c.805A>T (p.Thr269Ser)

Gene: ROR2 (receptor tyrosine kinase like orphan receptor 2; minus strand). Cytogenetic location: 9q22.31.
Variant type: single nucleotide variant.
Coding change: c.805A>T on transcript NM_004560.4 (MANE Select); coding-DNA position 805, A replaced by T.
Protein change: p.Thr269Ser; replaces threonine 269 with serine.
Molecular consequence: missense variant.
Genome position (GRCh38, 1-based): chr9:91,733,254, T>A on the plus strand (A>T on the coding strand, the complement: ROR2 is on the minus strand). VCF-style: chr9-91733254-T-A. GRCh37 (hg19) VCF-style: chr9-94495536-T-A.
Other names: c.805A>T, p.Thr269Ser (NM_001318204.2); short protein forms T269S.
Identifiers: ClinVar variation 3892314 (VCV003892314.2).